The following is an entry in ClinVar:

NM_001382430.1(AKT1):c.106A>T (p.Ile36Phe)

Gene: AKT1 (AKT serine/threonine kinase 1; minus strand). Cytogenetic location: 14q32.33.
Variant type: single nucleotide variant.
Coding change: c.106A>T on transcript NM_001382430.1 (MANE Select); coding-DNA position 106, A replaced by T.
Protein change: p.Ile36Phe; replaces isoleucine 36 with phenylalanine.
Molecular consequence: missense variant.
Genome position (GRCh38, 1-based): chr14:104,780,157, T>A on the plus strand (A>T on the coding strand, the complement: AKT1 is on the minus strand). VCF-style: chr14-104780157-T-A. GRCh37 (hg19) VCF-style: chr14-105246494-T-A.
Other names: c.106A>T, p.Ile36Phe (NM_001014431.2, NM_001014432.2, NM_001382431.1 and 3 more transcripts); short protein forms I36F.
Identifiers: ClinVar variation 1782926 (VCV001782926.2), dbSNP rs781339141, ClinGen allele CA391221610.

ClinVar aggregate classification (germline): Uncertain significance (1 of 4 stars; one submission).

Conditions:
Inborn genetic diseases. Identifiers: MedGen C0950123, MeSH D030342.

Submission:

Ambry Genetics
Classification: Uncertain significance for Inborn genetic diseases. Last evaluated: 2021-12-11. Review status: criteria provided, single submitter. Criteria: Ambry Variant Classification Scheme 2023. Collection method: clinical testing. Allele origin: germline.
Comment: The p.I36F variant (also known as c.106A>T), located in coding exon 2 of the AKT1 gene, results from an A to T substitution at nucleotide position 106. The isoleucine at codon 36 is replaced by phenylalanine, an amino acid with highly similar properties. This amino acid position is conserved. In addition, the in silico prediction for this alteration is inconclusive. Since supporting evidence is limited at this time, the clinical significance of this alteration remains unclear.